The following is an entry in ClinVar:

ClinVar aggregate classification (germline): Uncertain significance. Review status: criteria provided, multiple submitters, no conflicts (2 of 4 stars). 2 submissions from 2 submitters: Uncertain significance (2). Last evaluated 2025-02-09.

Conditions:
RYR1-related disorder. Also called: RYR1-related condition; RYR1-related disorders. Identifiers: MedGen CN239331.

Allele frequency attached by ClinVar (database versions not stated): ESP Exome Variant Server 0.00008; 1000 Genomes Project 30x 0.00031; 1000 Genomes Project 0.00040.
gnomAD v4.1: 6 of 1,614,092 alleles (0.00037%); highest among the groups gnomAD compares: South Asian, 0.0033%; no homozygotes.

Submissions (2):

Mayo Clinic Laboratories, Mayo Clinic
Classification: Uncertain significance. Last evaluated: 2025-02-09. Review status: criteria provided, single submitter. Criteria: ACMG Guidelines, 2015. Collection method: clinical testing. Allele origin: germline. Observed: 1 variant allele.

Labcorp Genetics (formerly Invitae), Labcorp
Classification: Uncertain significance for RYR1-related disorder. Last evaluated: 2024-12-24. Review status: criteria provided, single submitter. Criteria: Invitae Variant Classification Sherloc (09022015). Collection method: clinical testing. Allele origin: germline.
Comment: This sequence change replaces valine, which is neutral and non-polar, with leucine, which is neutral and non-polar, at codon 763 of the RYR1 protein (p.Val763Leu). This variant is present in population databases (rs369947687, gnomAD 0.006%). This variant has not been reported in the literature in individuals affected with RYR1-related conditions. ClinVar contains an entry for this variant (Variation ID: 1063810). Invitae Evidence Modeling of protein sequence and biophysical properties (such as structural, functional, and spatial information, amino acid conservation, physicochemical variation, residue mobility, and thermodynamic stability) indicates that this missense variant is not expected to disrupt RYR1 protein function with a negative predictive value of 95%. In summary, the available evidence is currently insufficient to determine the role of this variant in disease. Therefore, it has been classified as a Variant of Uncertain Significance.

Literature cited by the submitters: PubMed 29629541 (cited by Mayo Clinic Laboratories, Mayo Clinic).

NM_000540.3(RYR1):c.2287G>T (p.Val763Leu)

Gene: RYR1 (ryanodine receptor 1; plus strand). Cytogenetic location: 19q13.2.
Variant type: single nucleotide variant.
Coding change: c.2287G>T on transcript NM_000540.3 (MANE Select); coding-DNA position 2287, G replaced by T.
Protein change: p.Val763Leu; replaces valine 763 with leucine.
Molecular consequence: missense variant.
Genome position (GRCh38, 1-based): chr19:38,459,265, G>T. VCF-style: chr19-38459265-G-T. GRCh37 (hg19) VCF-style: chr19-38949905-G-T.
Other names: p.Val763Leu; c.2287G>T, p.Val763Leu (NM_001042723.2); short protein forms V763L.
Identifiers: ClinVar variation 1063810 (VCV001063810.10), dbSNP rs369947687, ClinGen allele CA063082.